The following is an entry in ClinVar:

NM_052963.3(TOP1MT):c.910C>T (p.Arg304Trp)

Gene: TOP1MT (DNA topoisomerase I mitochondrial; minus strand). Cytogenetic location: 8q24.3.
Variant type: single nucleotide variant.
Coding change: c.910C>T on transcript NM_052963.3 (MANE Select); coding-DNA position 910, C replaced by T.
Protein change: p.Arg304Trp; replaces arginine 304 with tryptophan.
Molecular consequence: missense variant.
Genome position (GRCh38, 1-based): chr8:143,324,049, G>A on the plus strand (C>T on the coding strand, the complement: TOP1MT is on the minus strand). VCF-style: chr8-143324049-G-A. GRCh37 (hg19) VCF-style: chr8-144406219-G-A.
Other names: c.616C>T, p.Arg206Trp (NM_001258446.1, NM_001258447.1); short protein forms R304W, R206W.
Identifiers: ClinVar variation 4775657 (VCV004775657.1).

ClinVar aggregate classification (germline): Uncertain significance (1 of 4 stars; one submission).

Submission:

Labcorp Genetics (formerly Invitae), Labcorp
Classification: Uncertain significance. Last evaluated: 2025-05-11. Review status: criteria provided, single submitter. Criteria: Invitae Variant Classification Sherloc (09022015). Collection method: clinical testing. Allele origin: germline.
Comment: This sequence change replaces arginine, which is basic and polar, with tryptophan, which is neutral and slightly polar, at codon 304 of the TOP1MT protein (p.Arg304Trp). This variant is present in population databases (no rsID available, gnomAD 0.0009%). This variant has not been reported in the literature in individuals affected with TOP1MT-related conditions. Invitae Evidence Modeling of protein sequence and biophysical properties (such as structural, functional, and spatial information, amino acid conservation, physicochemical variation, residue mobility, and thermodynamic stability) indicates that this missense variant is expected to disrupt TOP1MT protein function with a positive predictive value of 80%. In summary, the available evidence is currently insufficient to determine the role of this variant in disease. Therefore, it has been classified as a Variant of Uncertain Significance.